The following is an entry in ClinVar:

ClinVar aggregate classification (germline): Uncertain significance (1 of 4 stars; one submission).

Conditions:
Cholestanol storage disease (CTX). Also called: CTX: Cerebrotendinous xanthomatosis; Cerebrotendinous Xanthomatosis; CEREBRAL CHOLESTERINOSIS. Identifiers: Orphanet 909, MedGen C0238052, MONDO:0008948, OMIM 213700.

Submission:

Labcorp Genetics (formerly Invitae), Labcorp
Classification: Uncertain significance for Cholestanol storage disease. Last evaluated: 2022-09-19. Review status: criteria provided, single submitter. Criteria: Invitae Variant Classification Sherloc (09022015). Collection method: clinical testing. Allele origin: germline.
Comment: This sequence change replaces leucine, which is neutral and non-polar, with glutamine, which is neutral and polar, at codon 311 of the CYP27A1 protein (p.Leu311Gln). This variant is not present in population databases (gnomAD no frequency). This variant has not been reported in the literature in individuals affected with CYP27A1-related conditions. Advanced modeling of protein sequence and biophysical properties (such as structural, functional, and spatial information, amino acid conservation, physicochemical variation, residue mobility, and thermodynamic stability) has been performed at Invitae for this missense variant, however the output from this modeling did not meet the statistical confidence thresholds required to predict the impact of this variant on CYP27A1 protein function. In summary, the available evidence is currently insufficient to determine the role of this variant in disease. Therefore, it has been classified as a Variant of Uncertain Significance.

NM_000784.4(CYP27A1):c.932T>A (p.Leu311Gln)

Gene: CYP27A1 (cytochrome P450 family 27 subfamily A member 1; plus strand). Cytogenetic location: 2q35.
Variant type: single nucleotide variant.
Coding change: c.932T>A on transcript NM_000784.4 (MANE Select); coding-DNA position 932, T replaced by A.
Protein change: p.Leu311Gln; replaces leucine 311 with glutamine.
Molecular consequence: missense variant.
Genome position (GRCh38, 1-based): chr2:218,813,011, T>A. VCF-style: chr2-218813011-T-A. GRCh37 (hg19) VCF-style: chr2-219677734-T-A.
Other names: short protein forms L311Q.
Identifiers: ClinVar variation 2012235 (VCV002012235.1), dbSNP rs2470227553, ClinGen allele CA350588517.